The following is an entry in ClinVar:

NM_001077620.3(PRCD):c.74C>A (p.Pro25Gln)

Genes: CYGB (cytoglobin; minus strand), PRCD (photoreceptor disc component; plus strand). Cytogenetic location: 17q25.1.
Variant type: single nucleotide variant.
Coding change: c.74C>A on transcript NM_001077620.3 (MANE Select); coding-DNA position 74, C replaced by A.
Protein change: p.Pro25Gln; replaces proline 25 with glutamine.
Molecular consequence: missense variant.
Genome position (GRCh38, 1-based): chr17:76,540,215, C>A. VCF-style: chr17-76540215-C-A. GRCh37 (hg19) VCF-style: chr17-74536297-C-A.
Other names: short protein forms P25Q.
Identifiers: ClinVar variation 2115565 (VCV002115565.4), dbSNP rs757471313, ClinGen allele CA401181050.

ClinVar aggregate classification (germline): Uncertain significance (1 of 4 stars; one submission).

Allele frequency attached by ClinVar (database versions not stated): TOPMed below 0.00001.
gnomAD v4.1: 3 of 1,454,554 alleles (0.00021%); highest among the groups gnomAD compares: Admixed American, 0.0062%; no homozygotes.

Submission:

Labcorp Genetics (formerly Invitae), Labcorp
Classification: Uncertain significance. Last evaluated: 2022-06-26. Review status: criteria provided, single submitter. Criteria: Invitae Variant Classification Sherloc (09022015). Collection method: clinical testing. Allele origin: germline.
Comment: The frequency data for this variant in the population databases is considered unreliable, as metrics indicate poor data quality at this position in the gnomAD database. In summary, the available evidence is currently insufficient to determine the role of this variant in disease. Therefore, it has been classified as a Variant of Uncertain Significance. Algorithms developed to predict the effect of missense changes on protein structure and function (SIFT, PolyPhen-2, Align-GVGD) all suggest that this variant is likely to be disruptive. This variant has not been reported in the literature in individuals affected with PRCD-related conditions. This sequence change replaces proline, which is neutral and non-polar, with glutamine, which is neutral and polar, at codon 25 of the PRCD protein (p.Pro25Gln).